The following is an entry in ClinVar:

NM_016222.4(DDX41):c.1274T>A (p.Leu425His)

Gene: DDX41 (DEAD-box helicase 41; minus strand). Cytogenetic location: 5q35.3.
Variant type: single nucleotide variant.
Coding change: c.1274T>A on transcript NM_016222.4 (MANE Select); coding-DNA position 1274, T replaced by A.
Protein change: p.Leu425His; replaces leucine 425 with histidine.
Molecular consequence: missense variant.
Genome position (GRCh38, 1-based): chr5:177,513,039, A>T on the plus strand (T>A on the coding strand, the complement: DDX41 is on the minus strand). VCF-style: chr5-177513039-A-T. GRCh37 (hg19) VCF-style: chr5-176940040-A-T.
Other names: c.896T>A, p.Leu299His (NM_001321732.2, NM_001321830.2); short protein forms L299H, L425H.
Identifiers: ClinVar variation 3500532 (VCV003500532.1).
Genomic context (GRCh38, chr5:177,513,039, plus strand): 5'-CTCTGGCCCCGGCCTGGCCTGGCTGCACTCACAGGCGGGGGTGTCTTCTGCAGGCACTCG[A>T]GCAGGTACACCATCTTGGCCTCCTCCTTCACATATTCTACCTCCTGCCACCACAAAGATC-3'
Protein context (NP_057306.2, residues 415-435): VKEEAKMVYL[Leu425His]ECLQKTPPPV

ClinVar aggregate classification (germline): Uncertain significance (1 of 4 stars; one submission).

Conditions:
Inborn genetic diseases. Identifiers: MedGen C0950123, MeSH D030342.

gnomAD v4.1: 1 of 1,613,720 alleles (0.000062%); highest among the groups gnomAD compares: Non-Finnish European, 0.000085%; no homozygotes.

Submission:

Ambry Genetics
Classification: Uncertain significance for Inborn genetic diseases. Last evaluated: 2024-11-26. Review status: criteria provided, single submitter. Criteria: Ambry Variant Classification Scheme 2023. Collection method: clinical testing. Allele origin: germline.
Comment: The p.L425H variant (also known as c.1274T>A), located in coding exon 12 of the DDX41 gene, results from a T to A substitution at nucleotide position 1274. The leucine at codon 425 is replaced by histidine, an amino acid with similar properties. This amino acid position is conserved. In addition, this alteration is predicted to be deleterious by in silico analysis. Based on the available evidence, the clinical significance of this variant remains unclear.